The following is an entry in ClinVar:

NM_000637.5(GSR):c.334-8_334-5del

Gene: GSR (glutathione-disulfide reductase; minus strand). Cytogenetic location: 8p12.
Variant type: Deletion.
Coding change: c.334-8_334-5del on transcript NM_000637.5 (MANE Select); 8 bases into the intron before coding-DNA position 334 through 5 bases into the intron before coding-DNA position 334, 4 bases deleted (TTTT; older notation c.334-8_334-5delTTTT).
Molecular consequence: intron variant.
Genome position (GRCh38, 1-based): chr8:30,709,907-30,709,910, AAAA deleted on the plus strand (TTTT on the coding strand, the reverse complement: GSR is on the minus strand); deleting any 4 consecutive bases within chr8:30,709,907-30,709,924 gives the same sequence; the c. name uses the placement nearest the transcript's 3' end. VCF-style (leftmost placement, unchanged base first): chr8-30709906-TAAAA-T. GRCh37 (hg19) VCF-style: chr8-30567423-TAAAA-T.
Other names: NC_000008.10:g.30567438_30567441del; c.334-8_334-5del (NM_001195104.3, NM_001195102.3, NM_001195103.3); c.334-22_334-19del (NM_000637.5).
Identifiers: ClinVar variation 3050046 (VCV003050046.3), dbSNP rs74518074, ClinGen allele CA850706364.

ClinVar aggregate classification (germline): Likely benign (0 of 4 stars; one submission).

Conditions:
GSR-related disorder. Also called: GSR-related condition.

Submissions (5):

PreventionGenetics, part of Exact Sciences
Classification: Likely benign for GSR-related condition. Last evaluated: 2019-07-12. Review status: no assertion criteria provided. Collection method: clinical testing. Allele origin: germline.
Comment: This variant is classified as likely benign based on ACMG/AMP sequence variant interpretation guidelines (Richards et al. 2015 PMID: 25741868, with internal and published modifications).

Dr. Peter K. Rogan Lab, Western University
No classification provided (evidence only). Condition: Gastric cancer. Review status: no classification provided. Collection method: in vitro. Allele origin: not applicable. Functional consequence: retained intron. Not counted in ClinVar's aggregate classification.

Dr. Peter K. Rogan Lab, Western University
No classification provided (evidence only). Condition: Gastric cancer. Review status: no classification provided. Collection method: in vitro. Allele origin: not applicable. Functional consequence: retained intron. Not counted in ClinVar's aggregate classification.

Dr. Peter K. Rogan Lab, Western University
No classification provided (evidence only). Condition: Uterine corpus endometrial carcinoma. Review status: no classification provided. Collection method: in vitro. Allele origin: not applicable. Functional consequence: retained intron. Not counted in ClinVar's aggregate classification.

Dr. Peter K. Rogan Lab, Western University
No classification provided (evidence only). Condition: Uterine corpus endometrial carcinoma. Review status: no classification provided. Collection method: in vitro. Allele origin: not applicable. Functional consequence: retained intron. Not counted in ClinVar's aggregate classification.